The following is an entry in ClinVar:

ClinVar aggregate classification (germline): Uncertain significance (1 of 4 stars; one submission).

Conditions:
Curry-Hall syndrome (WAD). Also called: WEYERS ACRODENTAL DYSOSTOSIS. Identifiers: Orphanet 952, MedGen C0457013, MONDO:0008673, OMIM 193530.
Ellis-van Creveld syndrome (EVC). Also called: EVC-Related Ellis-van Creveld Syndrome; EVC2-Related Ellis-van Creveld Syndrome; MESOECTODERMAL DYSPLASIA; Chondroectodermal dysplasia. Identifiers: Orphanet 289, MedGen C0013903, MONDO:0009162, OMIM 225500.

Submission:

Labcorp Genetics (formerly Invitae), Labcorp
Classification: Uncertain significance for Curry-Hall syndrome; Ellis-van Creveld syndrome. Last evaluated: 2023-02-10. Review status: criteria provided, single submitter. Criteria: Invitae Variant Classification Sherloc (09022015). Collection method: clinical testing. Allele origin: germline.
Comment: This sequence change replaces phenylalanine, which is neutral and non-polar, with leucine, which is neutral and non-polar, at codon 580 of the EVC2 protein (p.Phe580Leu). This variant is not present in population databases (gnomAD no frequency). This variant has not been reported in the literature in individuals affected with EVC2-related conditions. Algorithms developed to predict the effect of missense changes on protein structure and function output the following: SIFT: "Tolerated"; PolyPhen-2: "Benign"; Align-GVGD: "Class C0". The leucine amino acid residue is found in multiple mammalian species, which suggests that this missense change does not adversely affect protein function. In summary, the available evidence is currently insufficient to determine the role of this variant in disease. Therefore, it has been classified as a Variant of Uncertain Significance.

NM_147127.5(EVC2):c.1740C>G (p.Phe580Leu)

Gene: EVC2 (EvC ciliary complex subunit 2; minus strand). Cytogenetic location: 4p16.2.
Variant type: single nucleotide variant.
Coding change: c.1740C>G on transcript NM_147127.5 (MANE Select); coding-DNA position 1740, C replaced by G.
Protein change: p.Phe580Leu; replaces phenylalanine 580 with leucine.
Molecular consequence: missense variant.
Genome position (GRCh38, 1-based): chr4:5,628,705, G>C on the plus strand (C>G on the coding strand, the complement: EVC2 is on the minus strand). VCF-style: chr4-5628705-G-C. GRCh37 (hg19) VCF-style: chr4-5630432-G-C.
Other names: c.1500C>G, p.Phe500Leu (NM_001166136.2); short protein forms F580L, F500L.
Identifiers: ClinVar variation 2940196 (VCV002940196.3), dbSNP rs2475396454, ClinGen allele CA356147884.